The following is an entry in ClinVar:

ClinVar aggregate classification (germline): Likely benign. Review status: criteria provided, multiple submitters, no conflicts (2 of 4 stars). 2 submissions from 2 submitters: Likely benign (2). Last evaluated 2021-08-05.

Conditions:
Developmental and epileptic encephalopathy 94 (DEE94). Also called: Epileptic encephalopathy, childhood-onset; CHD2-Related Neurodevelopmental Disorders. Identifiers: Orphanet 1942, Orphanet 2382, MedGen C3809278, MONDO:0014150, OMIM 615369.

Allele frequency attached by ClinVar (database versions not stated): gnomAD exomes below 0.00001; TOPMed below 0.00001; gnomAD 0.00001.
gnomAD v4.1: 2 of 1,612,838 alleles (0.00012%); highest among the groups gnomAD compares: Non-Finnish European, 0.00017%; no homozygotes.

Submissions (2):

Labcorp Genetics (formerly Invitae), Labcorp
Classification: Likely benign for Developmental and epileptic encephalopathy 94. Last evaluated: 2021-08-05. Review status: criteria provided, single submitter. Criteria: Invitae Variant Classification Sherloc (09022015). Collection method: clinical testing. Allele origin: germline.

GeneDx
Classification: Likely benign. Last evaluated: 2017-06-22. Review status: criteria provided, single submitter. Criteria: GeneDx Variant Classification (06012015). Collection method: clinical testing. Allele origin: germline. Affected: yes.
Comment: This variant is considered likely benign or benign based on one or more of the following criteria: it is a conservative change, it occurs at a poorly conserved position in the protein, it is predicted to be benign by multiple in silico algorithms, and/or has population frequency not consistent with disease.

NM_001271.4(CHD2):c.798C>G (p.Val266=)

Gene: CHD2 (chromodomain helicase DNA binding protein 2; plus strand). Cytogenetic location: 15q26.1.
Variant type: single nucleotide variant.
Coding change: c.798C>G on transcript NM_001271.4 (MANE Select); coding-DNA position 798, C replaced by G.
Protein change: p.Val266=; no amino-acid change (valine 266 retained).
Molecular consequence: synonymous variant.
Genome position (GRCh38, 1-based): chr15:92,941,927, C>G. VCF-style: chr15-92941927-C-G. GRCh37 (hg19) VCF-style: chr15-93485157-C-G.
Other names: c.798C>G, p.Val266= (NM_001042572.3).
Identifiers: ClinVar variation 518170 (VCV000518170.10), dbSNP rs1302498638, ClinGen allele CA492496394.